The following is an entry in ClinVar:

ClinVar aggregate classification (germline): Conflicting classifications of pathogenicity. Review status: criteria provided, conflicting classifications (1 of 4 stars). 4 submissions from 4 submitters: Uncertain significance (3); Likely benign (1). Last evaluated 2026-01-01.

Conditions:
Familial melanoma. Also called: Hereditary melanoma; Hereditary cutaneous melanoma. Identifiers: Orphanet 618, MedGen C1512419, MONDO:0018961.
Hereditary cancer-predisposing syndrome. Also called: Neoplastic Syndromes, Hereditary; Tumor predisposition; Hereditary Cancer Syndrome; Hereditary neoplastic syndrome. Identifiers: Orphanet 140162, MedGen C0027672, MeSH D009386, MONDO:0015356.
Melanoma, cutaneous malignant, susceptibility to, 3. Also called: Cutaneous malignant melanoma 3. Identifiers: Orphanet 618, MedGen C1836892, MONDO:0012183, OMIM 609048.

Allele frequency attached by ClinVar (database versions not stated): gnomAD 0.00001; gnomAD exomes 0.00001; TOPMed 0.00003.

Submissions (4):

Labcorp Genetics (formerly Invitae), Labcorp
Classification: Uncertain significance for Familial melanoma. Last evaluated: 2026-01-01. Review status: criteria provided, single submitter. Criteria: Invitae Variant Classification Sherloc (09022015). Collection method: clinical testing. Allele origin: germline.
Comment: This sequence change replaces lysine, which is basic and polar, with arginine, which is basic and polar, at codon 88 of the CDK4 protein (p.Lys88Arg). This variant is not present in population databases (gnomAD no frequency). This variant has not been reported in the literature in individuals affected with CDK4-related conditions. ClinVar contains an entry for this variant (Variation ID: 483307). Invitae Evidence Modeling of protein sequence and biophysical properties (such as structural, functional, and spatial information, amino acid conservation, physicochemical variation, residue mobility, and thermodynamic stability) indicates that this missense variant is not expected to disrupt CDK4 protein function with a negative predictive value of 95%. In summary, the available evidence is currently insufficient to determine the role of this variant in disease. Therefore, it has been classified as a Variant of Uncertain Significance.

Ambry Genetics
Classification: Likely benign for Hereditary cancer-predisposing syndrome. Last evaluated: 2024-05-09. Review status: criteria provided, single submitter. Criteria: Ambry Variant Classification Scheme 2023. Collection method: clinical testing. Allele origin: germline.

St. Jude Molecular Pathology, St. Jude Children's Research Hospital
Classification: Uncertain significance for Melanoma, cutaneous malignant, susceptibility to, 3. Last evaluated: 2024-02-11. Review status: criteria provided, single submitter. Criteria: St. Jude Assertion Criteria 2020. Collection method: clinical testing. Allele origin: germline.
Comment: The CDK4 c.263A>G (p.Lys88Arg) missense change is absent in gnomAD v2.1.1. The in silico tool REVEL predicts a benign effect on protein function, but to our knowledge this prediction has not been confirmed by functional studies. To our knowledge, this variant has not been reported in individuals with familial melanoma. In summary, the evidence currently available is insufficient to determine the clinical significance of this variant. It has therefore been classified as of uncertain significance.

Fulgent Genetics
Classification: Uncertain significance for Melanoma, cutaneous malignant, susceptibility to, 3. Last evaluated: 2024-01-23. Review status: criteria provided, single submitter. Criteria: ACMG Guidelines, 2015. Collection method: clinical testing. Allele origin: germline.

NM_000075.4(CDK4):c.263A>G (p.Lys88Arg)

Gene: CDK4 (cyclin dependent kinase 4; minus strand). Cytogenetic location: 12q14.1.
Variant type: single nucleotide variant.
Coding change: c.263A>G on transcript NM_000075.4 (MANE Select); coding-DNA position 263, A replaced by G.
Protein change: p.Lys88Arg; replaces lysine 88 with arginine.
Molecular consequence: missense variant.
Genome position (GRCh38, 1-based): chr12:57,751,298, T>C on the plus strand (A>G on the coding strand, the complement: CDK4 is on the minus strand). VCF-style: chr12-57751298-T-C. GRCh37 (hg19) VCF-style: chr12-58145081-T-C.
Other names: short protein forms K88R.
Identifiers: ClinVar variation 483307 (VCV000483307.16), dbSNP rs1463751654, ClinGen allele CA385548119.